The following is an entry in ClinVar:

NM_002230.4(JUP):c.1862T>C (p.Ile621Thr)

Gene: JUP (junction plakoglobin; minus strand). Cytogenetic location: 17q21.2.
Variant type: single nucleotide variant.
Coding change: c.1862T>C on transcript NM_002230.4 (MANE Select); coding-DNA position 1862, T replaced by C.
Protein change: p.Ile621Thr; replaces isoleucine 621 with threonine.
Molecular consequence: missense variant.
Genome position (GRCh38, 1-based): chr17:41,757,696, A>G on the plus strand (T>C on the coding strand, the complement: JUP is on the minus strand). VCF-style: chr17-41757696-A-G. GRCh37 (hg19) VCF-style: chr17-39913948-A-G.
Other names: p.I621T:ATT>ACT; c.1862T>C, p.Ile621Thr (NM_001352773.2, NM_001352774.2, NM_001352775.2 and 3 more transcripts); short protein forms I621T.
Identifiers: ClinVar variation 191670 (VCV000191670.53), dbSNP rs752594411, ClinGen allele CA237205.

ClinVar aggregate classification (germline): Conflicting classifications of pathogenicity. Review status: criteria provided, conflicting classifications (1 of 4 stars). 6 submissions from 6 submitters: Uncertain significance (4); Benign (1); Likely benign (1). Last evaluated 2025-11-23.

Conditions:
Cardiovascular phenotype. Identifiers: MedGen CN230736.
Arrhythmogenic right ventricular dysplasia 12. Also called: ARRHYTHMOGENIC RIGHT VENTRICULAR DYSPLASIA, FAMILIAL, 12. Identifiers: MedGen C1969081, MONDO:0012684, OMIM 611528.
Naxos disease (NXD). Also called: KERATOSIS PALMOPLANTARIS WITH ARRHYTHMOGENIC CARDIOMYOPATHY; MAL DE NAXOS; PALMOPLANTAR KERATODERMA WITH ARRHYTHMOGENIC RIGHT VENTRICULAR CARDIOMYOPATHY AND WOOLLY HAIR; CARDIOMYOPATHY, ARRHYTHMOGENIC RIGHT VENTRICULAR, WITH SKIN, HAIR, AND NAIL ABNORMALITIES; WOOLLY HAIR, PALMOPLANTAR KERATODERMA, AND CARDIAC ABNORMALITIES. Identifiers: Orphanet 34217, MedGen C1832600, MONDO:0011017, OMIM 601214.

Allele frequency attached by ClinVar (database versions not stated): gnomAD exomes 0.00006 and 0.00016; TOPMed 0.00006; gnomAD 0.00009; ExAC 0.00016.
gnomAD v4.1: 104 of 1,613,348 alleles (0.0064%); highest among the groups gnomAD compares: East Asian, 0.062%; no homozygotes.

Submissions (6):

Labcorp Genetics (formerly Invitae), Labcorp
Classification: Likely benign for Arrhythmogenic right ventricular dysplasia 12; Naxos disease. Last evaluated: 2025-11-23. Review status: criteria provided, single submitter. Criteria: Invitae Variant Classification Sherloc (09022015). Collection method: clinical testing. Allele origin: germline.

Ambry Genetics
Classification: Benign for Cardiovascular phenotype. Last evaluated: 2022-08-09. Review status: criteria provided, single submitter. Criteria: Ambry Variant Classification Scheme 2023. Collection method: clinical testing. Allele origin: germline.

Fulgent Genetics
Classification: Uncertain significance for Naxos disease; Arrhythmogenic right ventricular dysplasia 12. Last evaluated: 2021-09-01. Review status: criteria provided, single submitter. Criteria: ACMG Guidelines, 2015. Collection method: clinical testing. Allele origin: unknown.

CeGaT Center for Human Genetics Tuebingen
Classification: Uncertain significance. Last evaluated: 2019-04-01. Review status: criteria provided, single submitter. Criteria: CeGaT Center For Human Genetics Tuebingen Variant Classification Criteria Version 2. Collection method: clinical testing. Allele origin: germline. Affected: yes. Observed: 1 variant allele.

GeneDx
Classification: Uncertain significance. Last evaluated: 2017-04-18. Review status: criteria provided, single submitter. Criteria: GeneDx Variant Classification (06012015). Collection method: clinical testing. Allele origin: germline. Affected: yes.
Comment: The I621T variant of uncertain significance in the JUP gene has not been published as pathogenic or been reported as benign to our knowledge. The I621T variant is a non-conservative amino acid substitution, which is likely to impact secondary protein structure as these residues differ in polarity, charge, size and/or other properties. This substitution occurs at a position that is conserved across species, and in silico analysis predicts this variant is probably damaging to the protein structure/function. However, to our knowledge no studies have been performed to determine the functional effect of the I621T variant. Furthermore, the I621T variant was observed in 8/8,426 alleles from individuals of East Asian ancestry, 5/5,786 alleles from individuals of European (Finnish) ancestry, and 6/64,012 alleles from individuals of European (Non-Finnish) ancestry in the Exome Aggregation Consortium (ExAC) dataset (Lek et al., 2016).

Biesecker Lab/Clinical Genomics Section, National Institutes of Health
Classification: Uncertain significance. Last evaluated: 2013-06-24. Review status: criteria provided, single submitter. Criteria: Ng et al. (Circ Cardiovasc Genet. 2013). Collection method: research. Allele origin: unknown. Observed: 1 variant allele. Study: ClinSeq.
Comment: The study set was not selected for affection status in relation to any cancer. Pathogenicity categories were based on literature curation. See Pubmed ID:23861362 for details.

Medical sequencing

Literature cited by the submitters: PubMed 23861362 (cited by Ambry Genetics); PubMed 25363760 (cited by Ambry Genetics); PubMed 30775854 (cited by Ambry Genetics).